The following is an entry in ClinVar:

NM_000214.3(JAG1):c.2957T>C (p.Leu986Ser)

Gene: JAG1 (jagged canonical Notch ligand 1; minus strand). Cytogenetic location: 20p12.2.
Variant type: single nucleotide variant.
Coding change: c.2957T>C on transcript NM_000214.3 (MANE Select); coding-DNA position 2957, T replaced by C.
Protein change: p.Leu986Ser; replaces leucine 986 with serine.
Molecular consequence: missense variant.
Genome position (GRCh38, 1-based): chr20:10,641,204, A>G on the plus strand (T>C on the coding strand, the complement: JAG1 is on the minus strand). VCF-style: chr20-10641204-A-G. GRCh37 (hg19) VCF-style: chr20-10621852-A-G.
Other names: short protein forms L986S.
Identifiers: ClinVar variation 3230619 (VCV003230619.1), dbSNP rs2514508442, ClinGen allele CA408244584.

ClinVar aggregate classification (germline): Uncertain significance (1 of 4 stars; one submission).

Conditions:
Cardiovascular phenotype. Identifiers: MedGen CN230736.

Submission:

Ambry Genetics
Classification: Uncertain significance for Cardiovascular phenotype. Last evaluated: 2023-12-02. Review status: criteria provided, single submitter. Criteria: Ambry Variant Classification Scheme 2023. Collection method: clinical testing. Allele origin: germline.
Comment: The p.L986S variant (also known as c.2957T>C), located in coding exon 24 of the JAG1 gene, results from a T to C substitution at nucleotide position 2957. The leucine at codon 986 is replaced by serine, an amino acid with dissimilar properties. This amino acid position is conserved. In addition, this alteration is predicted to be deleterious by in silico analysis. Since supporting evidence is limited at this time, the clinical significance of this alteration remains unclear.